The following is an entry in ClinVar:

ClinVar aggregate classification (germline): Uncertain significance (1 of 4 stars; one submission).

Conditions:
TTC21B-related disorder. Also called: TTC21B-related disorders; TTC21B-related condition.

gnomAD v4.1: 2 of 1,613,600 alleles (0.00012%); highest among the groups gnomAD compares: Admixed American, 0.0033%; no homozygotes.

Submission:

PreventionGenetics, part of Exact Sciences
Classification: Uncertain significance for TTC21B-related condition. Last evaluated: 2025-03-12. Review status: criteria provided, single submitter. Criteria: ACMG Guidelines, 2015. Collection method: clinical testing. Allele origin: germline.
Comment: The TTC21B c.551A>G variant is predicted to result in the amino acid substitution p.Lys184Arg. To our knowledge, this variant has not been reported in the literature. This variant is reported in 0.0058% of alleles in individuals of Latino descent in gnomAD. At this time, the clinical significance of this variant is uncertain due to the absence of conclusive functional and genetic evidence.

NM_024753.5(TTC21B):c.551A>G (p.Lys184Arg)

Genes: TTC21B (tetratricopeptide repeat domain 21B; minus strand), TTC21B-AS1 (TTC21B antisense RNA 1; plus strand). Cytogenetic location: 2q24.3.
Variant type: single nucleotide variant.
Coding change: c.551A>G on transcript NM_024753.5 (MANE Select); coding-DNA position 551, A replaced by G.
Protein change: p.Lys184Arg; replaces lysine 184 with arginine.
Molecular consequence: missense variant.
Genome position (GRCh38, 1-based): chr2:165,943,220, T>C on the plus strand (A>G on the coding strand, the complement: TTC21B is on the minus strand). VCF-style: chr2-165943220-T-C. GRCh37 (hg19) VCF-style: chr2-166799730-T-C.
Other names: short protein forms K184R.
Identifiers: ClinVar variation 4989981 (VCV004989981.1).
Genomic context (GRCh38, chr2:165,943,220, plus strand): 5'-TTCAAATATATTATGAATATATTTTGAAACATGATTTATTTACCCTAACTCCAACTCACC[T>C]TACCCAGCAGAGCAAAAGTATCATTCCCATCTTGGAGTCCCTCTTCAAAATACTTCAGTG-3'
Protein context (NP_079029.3, residues 174-194): DGNDTFALLG[Lys184Arg]AQCLEMRQNY